The following is an entry in ClinVar:

ClinVar aggregate classification (germline): Pathogenic. Review status: criteria provided, single submitter (1 of 4 stars). 2 submissions from 2 submitters: Pathogenic (1). 1 of the submissions does not count toward it. Last evaluated 2023-10-12.

Conditions:
TSC2-related disorder. Also called: TSC2-Related Disorders; TSC2-related condition.
Tuberous sclerosis 2 (TSC2). Identifiers: Orphanet 805, MedGen C1860707, MONDO:0013199, OMIM 613254.

Submissions (2):

PreventionGenetics, part of Exact Sciences
Classification: Pathogenic for TSC2-related condition. Last evaluated: 2023-10-12. Review status: criteria provided, single submitter. Criteria: ACMG Guidelines, 2015. Collection method: clinical testing. Allele origin: germline.
Comment: The TSC2 c.4672G>T variant is predicted to result in premature protein termination (p.Glu1558*). This variant was reported in a neonate with Tuberous sclerosis (Table S1, Togi et al. 2022. PubMed ID: 36232477). This variant has not been reported in a large population database, indicating this variant is rare. Nonsense variants in TSC2 are expected to be pathogenic. This variant is interpreted as pathogenic.

Division of Genomic Medicine, Department of Advanced Medicine, Medical Research Institute, Kanazawa Medical University
Classification: Pathogenic for Tuberous sclerosis 2. Last evaluated: 2020-06-11. Review status: no assertion criteria provided. Collection method: clinical testing. Allele origin: germline. Affected: yes. Observed: 1 variant allele. Not counted in ClinVar's aggregate classification.

NM_000548.5(TSC2):c.4672G>T (p.Glu1558Ter)

Gene: TSC2 (TSC complex subunit 2; plus strand). Cytogenetic location: 16p13.3.
Variant type: single nucleotide variant.
Coding change: c.4672G>T on transcript NM_000548.5 (MANE Select); coding-DNA position 4672, G replaced by T.
Protein change: p.Glu1558Ter; replaces glutamic acid 1558 with a stop codon.
Molecular consequence: nonsense.
Genome position (GRCh38, 1-based): chr16:2,086,202, G>T. VCF-style: chr16-2086202-G-T. GRCh37 (hg19) VCF-style: chr16-2136203-G-T.
Other names: c.4471G>T, p.Glu1491Ter (NM_001077183.3); c.4603G>T, p.Glu1535Ter (NM_001114382.3); c.4363G>T, p.Glu1455Ter (NM_001318827.2); c.4327G>T, p.Glu1443Ter (NM_001318829.2); c.3940G>T, p.Glu1314Ter (NM_001318831.2); c.4504G>T, p.Glu1502Ter (NM_001318832.2); c.4474G>T, p.Glu1492Ter (NM_001363528.2); c.4540G>T, p.Glu1514Ter (NM_001370404.1); and 2 more; short protein forms E1314*, E1443*, E1455*, E1491*, E1492*, E1502*, E1514*, E1515*.
Identifiers: ClinVar variation 929512 (VCV000929512.2), dbSNP rs45517360, ClinGen allele CA394306927.
Genomic context (GRCh38, chr16:2,086,202, plus strand): 5'-CAGGGCCCGGCCCGGGAGTGATGCCACCCTGCCTCTCCCCTCTCCCCACAGAGCAACAGC[G>T]AGCTCGCCATCCTGTCCAATGAGCATGGCTCCTACAGGTACACGGAGTTCCTGACGGGCC-3'